The following is an entry in ClinVar:

ClinVar aggregate classification (germline): Uncertain significance (1 of 4 stars; one submission).

Conditions:
Inborn genetic diseases. Identifiers: MedGen C0950123, MeSH D030342.

Submission:

Ambry Genetics
Classification: Uncertain significance for Inborn genetic diseases. Last evaluated: 2025-10-16. Review status: criteria provided, single submitter. Criteria: Ambry Variant Classification Scheme 2023. Collection method: clinical testing. Allele origin: germline.
Comment: The p.A177P variant (also known as c.529G>C), located in coding exon 5 of the AKT1 gene, results from a G to C substitution at nucleotide position 529. The alanine at codon 177 is replaced by proline, an amino acid with highly similar properties. This amino acid position is conserved. In addition, this alteration is predicted to be deleterious by in silico analysis. Based on the available evidence, the clinical significance of this variant remains unclear.

NM_001382430.1(AKT1):c.529G>C (p.Ala177Pro)

Gene: AKT1 (AKT serine/threonine kinase 1; minus strand). Cytogenetic location: 14q32.33.
Variant type: single nucleotide variant.
Coding change: c.529G>C on transcript NM_001382430.1 (MANE Select); coding-DNA position 529, G replaced by C.
Protein change: p.Ala177Pro; replaces alanine 177 with proline.
Molecular consequence: missense variant.
Genome position (GRCh38, 1-based): chr14:104,775,114, C>G on the plus strand (G>C on the coding strand, the complement: AKT1 is on the minus strand). VCF-style: chr14-104775114-C-G. GRCh37 (hg19) VCF-style: chr14-105241451-C-G.
Other names: c.529G>C, p.Ala177Pro (NM_001014431.2, NM_001014432.2, NM_001382431.1 and 3 more transcripts); short protein forms A177P.
Identifiers: ClinVar variation 4574014 (VCV004574014.1).